The following is an entry in ClinVar:

NM_000038.6(APC):c.2470C>T (p.Pro824Ser)

Gene: APC (APC regulator of Wnt signaling pathway; plus strand). Cytogenetic location: 5q22.2.
Variant type: single nucleotide variant.
Coding change: c.2470C>T on transcript NM_000038.6 (MANE Select); coding-DNA position 2470, C replaced by T.
Protein change: p.Pro824Ser; replaces proline 824 with serine.
Molecular consequence: missense variant.
Genome position (GRCh38, 1-based): chr5:112,838,064, C>T. VCF-style: chr5-112838064-C-T. GRCh37 (hg19) VCF-style: chr5-112173761-C-T.
Other names: c.2470C>T, p.Pro824Ser (NM_001127510.3, NM_001354895.2); c.2416C>T, p.Pro806Ser (NM_001127511.3); c.2524C>T, p.Pro842Ser (NM_001354896.2); c.2500C>T, p.Pro834Ser (NM_001354897.2); c.2395C>T, p.Pro799Ser (NM_001354898.2); c.2386C>T, p.Pro796Ser (NM_001354899.2); c.2347C>T, p.Pro783Ser (NM_001354900.2); c.2293C>T, p.Pro765Ser (NM_001354901.2); and 5 more; short protein forms P664S, P799S, P824S, P541S, P765S, P698S, P723S, P796S.
Identifiers: ClinVar variation 821245 (VCV000821245.15), dbSNP rs1482721999, ClinGen allele CA16026755.
Genomic context (GRCh38, chr5:112,838,064, plus strand): 5'-AATCGACATGATGATAATAGGTCAGACAATTTTAATACTGGCAACATGACTGTCCTTTCA[C>T]CATATTTGAATACTACAGTGTTACCCAGCTCCTCTTCATCAAGAGGAAGCTTAGATAGTT-3'
Protein context (NP_000029.2, residues 814-834): FNTGNMTVLS[Pro824Ser]YLNTTVLPSS

ClinVar aggregate classification (germline): Uncertain significance. Review status: criteria provided, multiple submitters, no conflicts (2 of 4 stars). 3 submissions from 3 submitters: Uncertain significance (3). Last evaluated 2024-05-16.

Conditions:
Familial adenomatous polyposis 1 (FAP1). Also called: FAMILIAL ADENOMATOUS POLYPOSIS 1, ATTENUATED; POLYPOSIS, ADENOMATOUS INTESTINAL. Identifiers: MedGen C2713442, MONDO:0021056, OMIM 175100. Disease mechanism: loss of function.
Hereditary cancer-predisposing syndrome. Also called: Neoplastic Syndromes, Hereditary; Tumor predisposition; Hereditary Cancer Syndrome; Hereditary neoplastic syndrome. Identifiers: Orphanet 140162, MedGen C0027672, MeSH D009386, MONDO:0015356.

Allele frequency attached by ClinVar (database versions not stated): TOPMed below 0.00001; gnomAD 0.00001.
gnomAD v4.1: 1 of 1,614,022 alleles (0.000062%); highest among the groups gnomAD compares: African/African-American, 0.0013%; no homozygotes.

Submissions (3):

Labcorp Genetics (formerly Invitae), Labcorp
Classification: Uncertain significance for Familial adenomatous polyposis 1. Last evaluated: 2024-05-16. Review status: criteria provided, single submitter. Criteria: Invitae Variant Classification Sherloc (09022015). Collection method: clinical testing. Allele origin: germline.
Comment: This sequence change replaces proline, which is neutral and non-polar, with serine, which is neutral and polar, at codon 824 of the APC protein (p.Pro824Ser). This variant is not present in population databases (gnomAD no frequency). This variant has not been reported in the literature in individuals affected with APC-related conditions. ClinVar contains an entry for this variant (Variation ID: 821245). Advanced modeling of protein sequence and biophysical properties (such as structural, functional, and spatial information, amino acid conservation, physicochemical variation, residue mobility, and thermodynamic stability) performed at Invitae indicates that this missense variant is not expected to disrupt APC protein function with a negative predictive value of 95%. In summary, the available evidence is currently insufficient to determine the role of this variant in disease. Therefore, it has been classified as a Variant of Uncertain Significance.

Ambry Genetics
Classification: Uncertain significance for Hereditary cancer-predisposing syndrome. Last evaluated: 2024-03-04. Review status: criteria provided, single submitter. Criteria: Ambry Variant Classification Scheme 2023. Collection method: clinical testing. Allele origin: germline.
Comment: The p.P824S variant (also known as c.2470C>T), located in coding exon 15 of the APC gene, results from a C to T substitution at nucleotide position 2470. The proline at codon 824 is replaced by serine, an amino acid with similar properties. This amino acid position is well conserved in available vertebrate species. In addition, in silico predictors for this gene do not accurately predict pathogenicity. Since supporting evidence is limited at this time, the clinical significance of this alteration remains unclear.

Baylor Genetics
Classification: Uncertain significance for Familial adenomatous polyposis 1. Last evaluated: 2024-02-12. Review status: criteria provided, single submitter. Criteria: ACMG Guidelines, 2015. Collection method: clinical testing. Allele origin: unknown.